The following is an entry in ClinVar:

NM_138694.4(PKHD1):c.5838C>A (p.Val1946=)

Gene: PKHD1 (PKHD1 ciliary IPT domain containing fibrocystin/polyductin; minus strand). Cytogenetic location: 6p12.2.
Variant type: single nucleotide variant.
Coding change: c.5838C>A on transcript NM_138694.4 (MANE Select); coding-DNA position 5838, C replaced by A.
Protein change: p.Val1946=; no amino-acid change (valine 1946 retained).
Molecular consequence: synonymous variant.
Genome position (GRCh38, 1-based): chr6:51,959,940, G>T on the plus strand (C>A on the coding strand, the complement: PKHD1 is on the minus strand). VCF-style: chr6-51959940-G-T. GRCh37 (hg19) VCF-style: chr6-51824738-G-T.
Other names: c.5838C>A, p.Val1946= (NM_170724.3); c.5838C>A (NM_138694.3).
Identifiers: ClinVar variation 1094669 (VCV001094669.10), dbSNP rs769415024, ClinGen allele CA3852414.

ClinVar aggregate classification (germline): Conflicting classifications of pathogenicity. Review status: criteria provided, conflicting classifications (1 of 4 stars). 2 submissions from 2 submitters: Uncertain significance (1); Likely benign (1). Last evaluated 2025-06-12.

Conditions:
Autosomal recessive polycystic kidney disease (ARPKD). Also called: AR polycystic kidney disease. Identifiers: Orphanet 731, Orphanet 8378, MedGen C0085548, MeSH D017044, MONDO:0009889.

Allele frequency attached by ClinVar (database versions not stated): gnomAD 0.00003 and 0.00004.
gnomAD v4.1: 12 of 1,613,304 alleles (0.00074%); highest among the groups gnomAD compares: Admixed American, 0.01%; no homozygotes.

Submissions (2):

Labcorp Genetics (formerly Invitae), Labcorp
Classification: Likely benign for Autosomal recessive polycystic kidney disease. Last evaluated: 2025-06-12. Review status: criteria provided, single submitter. Criteria: Invitae Variant Classification Sherloc (09022015). Collection method: clinical testing. Allele origin: germline.

GeneDx
Classification: Uncertain significance. Last evaluated: 2024-12-31. Review status: criteria provided, single submitter. Criteria: GeneDx Variant Classification Process June 2021. Collection method: clinical testing. Allele origin: germline. Affected: yes.
Comment: Not observed at significant frequency in large population cohorts (gnomAD); In silico analysis indicates that this variant does not alter splicing; Has not been previously published as pathogenic or benign to our knowledge